The following is an entry in ClinVar:

ClinVar aggregate classification (germline): Likely pathogenic (1 of 4 stars; one submission).

Conditions:
Intellectual developmental disorder, autosomal dominant 45. Also called: MENTAL RETARDATION, AUTOSOMAL DOMINANT 45; Intellectual disability, autosomal dominant 45. Identifiers: MedGen C4539848, MONDO:0030910, OMIM 617600.

Submission:

Victorian Clinical Genetics Services, Murdoch Childrens Research Institute
Classification: Likely pathogenic for Intellectual developmental disorder, autosomal dominant 45. Last evaluated: 2025-01-09. Review status: criteria provided, single submitter. Criteria: ACMG Guidelines, 2015. Collection method: clinical testing. Allele origin: germline. Affected: yes.
Comment: This variant is classified as Likely pathogenic. Evidence in support of pathogenic classification: Variant is predicted to cause nonsense-mediated decay (NMD) and loss of protein (premature termination codon is located at least 54 nucleotides upstream of the final exon-exon junction); Variant is absent from gnomAD (v2, v3 and v4); Other NMD-predicted variant(s) comparable to the one identified in this case have very strong previous evidence for pathogenicity (DECIPHER). Additional information: This variant is non-coding in alternative transcripts including NM_015125.5. However it is coding in NM_001304815.1, and NM_001386298.1 which is the ClinVar-predominant and MANE Select transcript. Publicly available gene expression data showed our exon of interest is expressed in human tissues (GTEx), consistent with the western blot data of fibroblast samples in PMID: 28288114; This gene is associated with autosomal dominant disease; This variant has no previous evidence of pathogenicity; No published segregation evidence has been identified for this variant; No published functional evidence has been identified for this variant; Loss of function is a known mechanism of disease in this gene and is associated with autosomal dominant intellectual disability 45 (MIM# 617600); Variants in this gene are known to have variable expressivity. Phenotypic variations have been observed among patients (PMIDs: 28288114, 32820034).

Literature cited by the submitters: PubMed 28288114; PubMed 32820034.

NM_001386298.1(CIC):c.111_112del (p.Asp38fs)

Gene: CIC (capicua transcriptional repressor; plus strand). Cytogenetic location: 19q13.2.
Variant type: Deletion.
Coding change: c.111_112del on transcript NM_001386298.1 (MANE Select); coding-DNA positions 111 to 112, 2 bases deleted (TG; older notation c.111_112delTG).
Protein change: p.Asp38fs; shifts the reading frame from aspartic acid 38.
Molecular consequence: frameshift variant.
Genome position (GRCh38, 1-based): chr19:42,271,894-42,271,895, TG deleted; deleting any 2 consecutive bases within chr19:42,271,893-42,271,895 gives the same sequence; the c. name uses the placement nearest the transcript's 3' end. VCF-style (leftmost placement, unchanged base first): chr19-42271892-GGT-G. GRCh37 (hg19) VCF-style: chr19-42776044-GGT-G.
Other names: c.111_112del, p.Asp38fs (NM_001304815.2, NM_001379480.1, NM_001379482.1); c.111_112delTG, p.Asp38Glnfs (NM_001379483.1); short protein forms D38fs.
Identifiers: ClinVar variation 1805467 (VCV001805467.3), dbSNP rs2513590118, ClinGen allele CA2573102968.